The following is an entry in ClinVar:

ClinVar aggregate classification (germline): Benign/Likely benign. Review status: criteria provided, multiple submitters, no conflicts (2 of 4 stars). 7 submissions from 7 submitters: Benign (1); Likely benign (5). 1 of the submissions does not count toward it. Last evaluated 2026-08-01.

Conditions:
Finnish congenital nephrotic syndrome (NPHS1). Also called: NEPHROTIC SYNDROME, TYPE 1. Identifiers: Orphanet 839, MedGen C0403399, MONDO:0009732, OMIM 256300.
Focal segmental glomerulosclerosis (FSGS). Also called: Glomerulosclerosis, focal; Focal sclerosis with hyalinosis. Identifiers: MedGen C0017668, MONDO:0100313, HP:0000097. Disease mechanism: loss of function.
Congenital nephrotic syndrome. Also called: Familial nephrotic syndrome. Identifiers: MedGen C3501848, MeSH C535761, MONDO:0002350, HP:0008677.

Allele frequency attached by ClinVar (database versions not stated): gnomAD exomes 0.00050 and 0.00108; ExAC 0.00137; 1000 Genomes Project 0.00240; 1000 Genomes Project 30x 0.00265; gnomAD 0.00362 and 0.00388; ESP Exome Variant Server 0.00408; TOPMed 0.00413.
gnomAD v4.1: 1,299 of 1,613,892 alleles (0.08%); highest among the groups gnomAD compares: African/African-American, 1.3%; 7 homozygotes.

Submissions (7):

CeGaT Center for Human Genetics Tuebingen
Classification: Likely benign. Last evaluated: 2026-08-01. Review status: criteria provided, single submitter. Criteria: CeGaT Center For Human Genetics Tuebingen Variant Classification Criteria Version 2. Collection method: clinical testing. Allele origin: germline. Affected: yes. Observed: 2 variant alleles.
Comment: NPHS1: BP4, BS1

Labcorp Genetics (formerly Invitae), Labcorp
Classification: Benign. Last evaluated: 2026-01-28. Review status: criteria provided, single submitter. Criteria: Invitae Variant Classification Sherloc (09022015). Collection method: clinical testing. Allele origin: germline.

GeneDx
Classification: Likely benign. Last evaluated: 2020-12-01. Review status: criteria provided, single submitter. Criteria: GeneDx Variant Classification Process June 2021. Collection method: clinical testing. Allele origin: germline. Affected: yes.

Genome Diagnostics Laboratory, The Hospital for Sick Children
Classification: Likely benign for Focal segmental glomerulosclerosis. Last evaluated: 2020-11-18. Review status: criteria provided, single submitter. Criteria: ACMG Guidelines, 2015. Collection method: clinical testing. Allele origin: germline.

Illumina Laboratory Services, Illumina
Classification: Likely benign for Congenital nephrotic syndrome. Last evaluated: 2017-04-27. Review status: criteria provided, single submitter. Criteria: ICSL Variant Classification Criteria 13 December 2019. Collection method: clinical testing. Allele origin: germline.
Comment: This variant was observed as part of a predisposition screen in an ostensibly healthy population. A literature search was performed for the gene, cDNA change, and amino acid change (where applicable). Publications were found based on this search. The evidence from the literature, in combination with allele frequency data from public databases where available, was sufficient to determine this variant is unlikely to cause disease. Therefore, this variant is classified as likely benign.

Breakthrough Genomics
Classification: Likely benign. Review status: criteria provided, single submitter. Criteria: ACMG Guidelines, 2015. Collection method: not provided. Allele origin: germline. Inheritance: Autosomal recessive inheritance. Affected: yes.

Natera, Inc.
Classification: Benign for Finnish congenital nephrotic syndrome. Last evaluated: 2019-09-09. Review status: no assertion criteria provided. Collection method: clinical testing. Allele origin: germline. Not counted in ClinVar's aggregate classification.

Literature cited by the submitters: PubMed 23595123 (cited by Illumina Laboratory Services, Illumina).

NM_004646.4(NPHS1):c.840+6G>A

Gene: NPHS1 (NPHS1 adhesion molecule, nephrin; minus strand). Cytogenetic location: 19q13.12.
Variant type: single nucleotide variant.
Coding change: c.840+6G>A on transcript NM_004646.4 (MANE Select); 6 bases into the intron after coding-DNA position 840, G replaced by A.
Molecular consequence: intron variant.
Genome position (GRCh38, 1-based): chr19:35,849,230, C>T on the plus strand (G>A on the coding strand, the complement: NPHS1 is on the minus strand). VCF-style: chr19-35849230-C-T. GRCh37 (hg19) VCF-style: chr19-36340132-C-T.
Identifiers: ClinVar variation 716478 (VCV000716478.27), dbSNP rs369975773, ClinGen allele CA9390642.